The following is an entry in ClinVar:

ClinVar aggregate classification (germline): Uncertain significance (1 of 4 stars; one submission).

Conditions:
Dilated cardiomyopathy 1G (CMD1G). Identifiers: Orphanet 154, MedGen C1858763, MONDO:0011400, OMIM 604145.
Autosomal recessive limb-girdle muscular dystrophy type 2J (LGMDR10). Also called: Limb-girdle muscular dystrophy, type 2J; MUSCULAR DYSTROPHY, LIMB-GIRDLE, AUTOSOMAL RECESSIVE 10. Identifiers: Orphanet 140922, MedGen C1837342, MONDO:0012127, OMIM 608807.

Submission:

Labcorp Genetics (formerly Invitae), Labcorp
Classification: Uncertain significance for Dilated cardiomyopathy 1G; Autosomal recessive limb-girdle muscular dystrophy type 2J. Last evaluated: 2022-04-26. Review status: criteria provided, single submitter. Criteria: Invitae Variant Classification Sherloc (09022015). Collection method: clinical testing. Allele origin: germline.
Comment: This variant is not present in population databases (gnomAD no frequency). This variant has not been reported in the literature in individuals affected with TTN-related conditions. Experimental studies and prediction algorithms are not available or were not evaluated, and the functional significance of this variant is currently unknown. Variants that disrupt the consensus splice site are a relatively common cause of aberrant splicing (PMID: 17576681, 9536098). Algorithms developed to predict the effect of sequence changes on RNA splicing suggest that this variant is not likely to affect RNA splicing. This variant is located in the I band of TTN (PMID: 25589632). Variants in this region may be clinically relevant, but have not been definitively shown to cause cardiomyopathy or neuromuscular disease (PMID: 27493940, 32778822). In summary, the available evidence is currently insufficient to determine the role of this variant in disease. Therefore, it has been classified as a Variant of Uncertain Significance. This sequence change falls in intron 33 of the TTN gene. It does not directly change the encoded amino acid sequence of the TTN protein. It affects a nucleotide within the consensus splice site.

Literature cited by the submitters: PubMed 17576681; PubMed 9536098; PubMed 25589632; PubMed 27493940; PubMed 32778822.

NM_001267550.2(TTN):c.7855+5G>C

Gene: TTN (titin; minus strand). Cytogenetic location: 2q31.2.
Variant type: single nucleotide variant.
Coding change: c.7855+5G>C on transcript NM_001267550.2 (MANE Select); 5 bases into the intron after coding-DNA position 7855, G replaced by C.
Molecular consequence: intron variant.
Genome position (GRCh38, 1-based): chr2:178,773,104, C>G on the plus strand (G>C on the coding strand, the complement: TTN is on the minus strand). VCF-style: chr2-178773104-C-G. GRCh37 (hg19) VCF-style: chr2-179637831-C-G.
Other names: c.7717+5G>C (NM_003319.4, NM_133437.4, NM_133432.3); c.7855+5G>C (NM_133378.4, NM_001256850.1, NM_133379.5).
Identifiers: ClinVar variation 2127538 (VCV002127538.4), dbSNP rs2091778152, ClinGen allele CA430299496.
Genomic context (GRCh38, chr2:178,773,104, plus strand): 5'-TGAATAATAATTTCTTAAAATAACAATCACTCCTCGTAAGAATTTAGGTTAATAAATATA[C>G]CAACCTGCCACAGTAAGTTTTCCAGATGTCATATTTTCTCCCGCGTAAAATGTGTATTTT-3'